The following is an entry in ClinVar:

ClinVar aggregate classification (germline): Uncertain significance (1 of 4 stars; one submission).

gnomAD v4.1: 2 of 1,612,674 alleles (0.00012%); highest among the groups gnomAD compares: Non-Finnish European, 0.00017%; no homozygotes.

Submission:

GeneDx
Classification: Uncertain significance. Last evaluated: 2025-05-01. Review status: criteria provided, single submitter. Criteria: GeneDx Variant Classification Process June 2021. Collection method: clinical testing. Allele origin: germline. Affected: yes.
Comment: Not observed at significant frequency in large population cohorts (gnomAD); In silico analysis supports that this missense variant has a deleterious effect on protein structure/function; Has not been previously published as pathogenic or benign to our knowledge

NM_170606.3(KMT2C):c.8366G>A (p.Cys2789Tyr)

Gene: KMT2C (lysine methyltransferase 2C; minus strand). Cytogenetic location: 7q36.1.
Variant type: single nucleotide variant.
Coding change: c.8366G>A on transcript NM_170606.3 (MANE Select); coding-DNA position 8366, G replaced by A.
Protein change: p.Cys2789Tyr; replaces cysteine 2789 with tyrosine.
Molecular consequence: missense variant.
Genome position (GRCh38, 1-based): chr7:152,177,087, C>T on the plus strand (G>A on the coding strand, the complement: KMT2C is on the minus strand). VCF-style: chr7-152177087-C-T. GRCh37 (hg19) VCF-style: chr7-151874172-C-T.
Other names: short protein forms C2789Y.
Identifiers: ClinVar variation 4527578 (VCV004527578.1).